The following is an entry in ClinVar:

ClinVar aggregate classification (germline): Likely benign. Review status: criteria provided, single submitter (1 of 4 stars). 2 submissions from 2 submitters: Likely benign (1). 1 of the submissions does not count toward it. Last evaluated 2024-12-24.

Conditions:
PDE4D-related disorder. Also called: PDE4D-related condition.

Allele frequency attached by ClinVar (database versions not stated): ExAC 0.00001; gnomAD exomes 0.00001; gnomAD 0.00005; TOPMed 0.00005; ESP Exome Variant Server 0.00008.
gnomAD v4.1: 13 of 1,583,256 alleles (0.00082%); highest among the groups gnomAD compares: African/African-American, 0.012%; no homozygotes.

Submissions (2):

Labcorp Genetics (formerly Invitae), Labcorp
Classification: Likely benign. Last evaluated: 2024-12-24. Review status: criteria provided, single submitter. Criteria: Invitae Variant Classification Sherloc (09022015). Collection method: clinical testing. Allele origin: germline.

PreventionGenetics, part of Exact Sciences
Classification: Likely benign for PDE4D-related condition. Last evaluated: 2023-11-14. Review status: no assertion criteria provided. Collection method: clinical testing. Allele origin: germline. Not counted in ClinVar's aggregate classification.
Comment: This variant is classified as likely benign based on ACMG/AMP sequence variant interpretation guidelines (Richards et al. 2015 PMID: 25741868, with internal and published modifications).

NM_001104631.2(PDE4D):c.1128G>A (p.Leu376=)

Gene: PDE4D (phosphodiesterase 4D; minus strand). Cytogenetic location: 5q11.2.
Variant type: single nucleotide variant.
Coding change: c.1128G>A on transcript NM_001104631.2 (MANE Select); coding-DNA position 1128, G replaced by A.
Protein change: p.Leu376=; no amino-acid change (leucine 376 retained).
Molecular consequence: synonymous variant.
Genome position (GRCh38, 1-based): chr5:58,991,892, C>T on the plus strand (G>A on the coding strand, the complement: PDE4D is on the minus strand). VCF-style: chr5-58991892-C-T. GRCh37 (hg19) VCF-style: chr5-58287719-C-T.
Other names: c.360G>A, p.Leu120= (NM_001349243.2, NM_001364604.1); c.945G>A, p.Leu315= (NM_001364599.1, NM_001165899.2); c.222G>A, p.Leu74= (NM_001364603.1, NM_001197221.2); c.720G>A, p.Leu240= (NM_006203.5); c.936G>A, p.Leu312= (NM_001197218.2); c.762G>A, p.Leu254= (NM_001197219.2); c.738G>A, p.Leu246= (NM_001197220.2); c.456G>A, p.Leu152= (NM_001197222.2); and 3 more.
Identifiers: ClinVar variation 3058457 (VCV003058457.4), dbSNP rs375921209, ClinGen allele CA3276149.
Genomic context (GRCh38, chr5:58,991,892, plus strand): 5'-CTTGGCAAGGACATCTTCTTGTTCAGTTTTAACTCCAAACCTTGGGATACTTGAATTAGT[C>T]AGACTAGAGCTGTGCATCAATTTCTTGACTCCACTGATCTGAGACATTGGTCTTTTCTTT-3'
Protein context (NP_001098101.1, residues 366-386): GVKKLMHSSS[Leu376=]TNSSIPRFGV